The following is an entry in ClinVar:

ClinVar aggregate classification (germline): Uncertain significance (1 of 4 stars; one submission).

Conditions:
Cornelia de Lange syndrome 3 (CDLS3). Also called: SMC3-Related Cornelia de Lange Syndrome; CORNELIA DE LANGE SYNDROME 3 WITH OR WITHOUT MIDLINE BRAIN DEFECTS. Identifiers: Orphanet 199, MedGen C1853099, MONDO:0012555, OMIM 610759.

Submission:

Labcorp Genetics (formerly Invitae), Labcorp
Classification: Uncertain significance for Cornelia de Lange syndrome 3. Last evaluated: 2025-07-28. Review status: criteria provided, single submitter. Criteria: Invitae Variant Classification Sherloc (09022015). Collection method: clinical testing. Allele origin: germline.
Comment: This sequence change replaces methionine, which is neutral and non-polar, with valine, which is neutral and non-polar, at codon 1160 of the SMC3 protein (p.Met1160Val). This variant is not present in population databases (gnomAD no frequency). This variant has not been reported in the literature in individuals affected with SMC3-related conditions. Invitae Evidence Modeling of protein sequence and biophysical properties (such as structural, functional, and spatial information, amino acid conservation, physicochemical variation, residue mobility, and thermodynamic stability) has been performed for this missense variant. However, the output from this modeling did not meet the statistical confidence thresholds required to predict the impact of this variant on SMC3 protein function. In summary, the available evidence is currently insufficient to determine the role of this variant in disease. Therefore, it has been classified as a Variant of Uncertain Significance.

NM_005445.4(SMC3):c.3478A>G (p.Met1160Val)

Gene: SMC3 (structural maintenance of chromosomes 3; plus strand). Cytogenetic location: 10q25.2.
Variant type: single nucleotide variant.
Coding change: c.3478A>G on transcript NM_005445.4 (MANE Select); coding-DNA position 3478, A replaced by G.
Protein change: p.Met1160Val; replaces methionine 1160 with valine.
Molecular consequence: missense variant.
Genome position (GRCh38, 1-based): chr10:110,603,186, A>G. VCF-style: chr10-110603186-A-G. GRCh37 (hg19) VCF-style: chr10-112362944-A-G.
Other names: short protein forms M1160V.
Identifiers: ClinVar variation 4747139 (VCV004747139.1).